The following is an entry in ClinVar:

NM_001913.5(CUX1):c.1627G>A (p.Asp543Asn)

Gene: CUX1 (cut like homeobox 1; plus strand). Cytogenetic location: 7q22.1.
Variant type: single nucleotide variant.
Coding change: c.1627G>A on transcript NM_001913.5 (MANE Plus Clinical); coding-DNA position 1627, G replaced by A.
Protein change: p.Asp543Asn; replaces aspartic acid 543 with asparagine.
Molecular consequence: missense variant.
Genome position (GRCh38, 1-based): chr7:102,278,012, G>A. VCF-style: chr7-102278012-G-A. GRCh37 (hg19) VCF-style: chr7-101921283-G-A.
Other names: c.1579G>A, p.Asp527Asn (NM_001202544.3); c.1489G>A, p.Asp497Asn (NM_001202545.3); c.1510G>A, p.Asp504Asn (NM_001202546.3); c.1621G>A, p.Asp541Asn (NM_181500.4); short protein forms D497N, D504N, D527N, D541N, D543N.
Identifiers: ClinVar variation 1696485 (VCV001696485.1), dbSNP rs781903195, ClinGen allele CA4411737.
Genomic context (GRCh38, chr7:102,278,012, plus strand): 5'-AACCGCCTGGCCCAGCACACCCTCCAGGCCCTGCAGAGTGAGCTGGACAGCCTGCGCGCC[G>A]ACAACATCAAGCTCTTTGAGAAGATCAAGTTCCTGCAGAGCTACCCTGGCCGGGTGAGGG-3'
Protein context (NP_001904.2, residues 533-553): LQSELDSLRA[Asp543Asn]NIKLFEKIKF

ClinVar aggregate classification (germline): Uncertain significance (1 of 4 stars; one submission).

Conditions:
Global developmental delay with or without impaired intellectual development. Identifiers: MedGen C5193032, MONDO:0032680, OMIM 618330.

Allele frequency attached by ClinVar (database versions not stated): TOPMed 0.00003; gnomAD exomes below 0.00001; gnomAD 0.00001; ExAC 0.00001.
gnomAD v4.1: 5 of 1,584,240 alleles (0.00032%); highest among the groups gnomAD compares: Admixed American, 0.0017%; no homozygotes.

Submission:

New York Genome Center
Classification: Uncertain significance for Global developmental delay with or without impaired intellectual development. Last evaluated: 2021-08-27. Review status: criteria provided, single submitter. Criteria: NYGC Assertion Criteria 2020. Collection method: clinical testing. Allele origin: germline. Observed: 1 heterozygote. Study: CSER-NYCKidSeq.
Comment: The heterozygous c.1627G>A (p.Asp543Asn) missense variant identified in the CUX1 gene has not been reported in affected individuals in the literature. The variant has 0.00001329 allele frequency in the gnomAD(v3) database (2 out of 150490 heterozygous alleles, no homozygotes) suggesting it is not a common benign variant in the populations represented in that database. In silico tools provide conflicting predictions about potential pathogenicity of this variant(CADD score = 28.4, REVEL score = 0.410). Based on the available evidence, the heterozygous c.1627G>A (p.Asp543Asn) missense variant identified in the CUX1 gene is reported as a Variant of Uncertain Significance.